The following is an entry in ClinVar:

NM_020232.5(PSMG2):c.424C>G (p.Leu142Val)

Gene: PSMG2 (proteasome assembly chaperone 2; plus strand). Cytogenetic location: 18p11.21.
Variant type: single nucleotide variant.
Coding change: c.424C>G on transcript NM_020232.5 (MANE Select); coding-DNA position 424, C replaced by G.
Protein change: p.Leu142Val; replaces leucine 142 with valine.
Molecular consequence: missense variant.
Genome position (GRCh38, 1-based): chr18:12,720,526, C>G. VCF-style: chr18-12720526-C-G. GRCh37 (hg19) VCF-style: chr18-12720525-C-G.
Other names: c.331C>G, p.Leu111Val (NM_147163.2); short protein forms L142V, L111V.
Identifiers: ClinVar variation 1368545 (VCV001368545.8), dbSNP rs1218417318, ClinGen allele CA401968120.

ClinVar aggregate classification (germline): Uncertain significance (1 of 4 stars; one submission).

Allele frequency attached by ClinVar (database versions not stated): TOPMed below 0.00001.
gnomAD v4.1: 2 of 1,602,860 alleles (0.00012%); highest among the groups gnomAD compares: Non-Finnish European, 0.00017%; no homozygotes.

Submission:

Labcorp Genetics (formerly Invitae), Labcorp
Classification: Uncertain significance. Last evaluated: 2022-07-25. Review status: criteria provided, single submitter. Criteria: Invitae Variant Classification Sherloc (09022015). Collection method: clinical testing. Allele origin: germline.
Comment: This sequence change replaces leucine, which is neutral and non-polar, with valine, which is neutral and non-polar, at codon 142 of the PSMG2 protein (p.Leu142Val). This variant is not present in population databases (gnomAD no frequency). This variant has not been reported in the literature in individuals affected with PSMG2-related conditions. ClinVar contains an entry for this variant (Variation ID: 1368545). Algorithms developed to predict the effect of missense changes on protein structure and function (SIFT, PolyPhen-2, Align-GVGD) all suggest that this variant is likely to be tolerated. Algorithms developed to predict the effect of sequence changes on RNA splicing suggest that this variant may create or strengthen a splice site. In summary, the available evidence is currently insufficient to determine the role of this variant in disease. Therefore, it has been classified as a Variant of Uncertain Significance.